The following is an entry in ClinVar:

NM_032043.3(BRIP1):c.1341-7A>G

Gene: BRIP1 (BRCA1 interacting DNA helicase 1; minus strand). Cytogenetic location: 17q23.2.
Variant type: single nucleotide variant.
Coding change: c.1341-7A>G on transcript NM_032043.3 (MANE Select); 7 bases into the intron before coding-DNA position 1341, A replaced by G.
Molecular consequence: intron variant.
Genome position (GRCh38, 1-based): chr17:61,793,736, T>C on the plus strand (A>G on the coding strand, the complement: BRIP1 is on the minus strand). VCF-style: chr17-61793736-T-C. GRCh37 (hg19) VCF-style: chr17-59871097-T-C.
Identifiers: ClinVar variation 1160676 (VCV001160676.11), dbSNP rs2145245603, ClinGen allele CA2499224797.

ClinVar aggregate classification (germline): Likely benign. Review status: criteria provided, multiple submitters, no conflicts (2 of 4 stars). 2 submissions from 2 submitters: Likely benign (2). Last evaluated 2025-10-09.

Conditions:
Fanconi anemia complementation group J. Also called: BRIP1-Related Fanconi Anemia. Identifiers: Orphanet 84, MedGen C1836860, MONDO:0012187, OMIM 609054.
Familial cancer of breast. Also called: hereditary breast carcinoma; Hereditary breast cancer; BREAST CANCER, FAMILIAL. Identifiers: Orphanet 227535, MedGen C0346153, MONDO:0016419, OMIM 114480. Disease mechanism: loss of function.

Submissions (2):

Labcorp Genetics (formerly Invitae), Labcorp
Classification: Likely benign for Familial cancer of breast; Fanconi anemia complementation group J. Last evaluated: 2025-10-09. Review status: criteria provided, single submitter. Criteria: Invitae Variant Classification Sherloc (09022015). Collection method: clinical testing. Allele origin: germline.

Myriad Genetics, Inc.
Classification: Likely benign for Familial cancer of breast. Last evaluated: 2024-08-27. Review status: criteria provided, single submitter. Criteria: Myriad Autosomal Dominant, Autosomal Recessive and X-Linked Classification Criteria (2023). Collection method: clinical testing. Allele origin: unknown.
Comment: This variant is considered likely benign. This variant is intronic and is not expected to impact mRNA splicing.